The following is an entry in ClinVar:

NM_000789.4(ACE):c.3584C>T (p.Ser1195Leu)

Gene: ACE (angiotensin I converting enzyme; plus strand). Cytogenetic location: 17q23.3.
Variant type: single nucleotide variant.
Coding change: c.3584C>T on transcript NM_000789.4 (MANE Select); coding-DNA position 3584, C replaced by T.
Protein change: p.Ser1195Leu; replaces serine 1195 with leucine.
Molecular consequence: missense variant. On other transcripts: non-coding transcript variant (1).
Genome position (GRCh38, 1-based): chr17:63,496,878, C>T. VCF-style: chr17-63496878-C-T. GRCh37 (hg19) VCF-style: chr17-61574239-C-T.
Other names: c.1739C>T, p.Ser580Leu (NM_001178057.2); c.3017C>T, p.Ser1006Leu (NM_001382700.1); c.2732C>T, p.Ser911Leu (NM_001382701.1); c.1199C>T, p.Ser400Leu (NM_001382702.1); c.1862C>T, p.Ser621Leu (NM_152830.3); short protein forms S1006L, S1195L, S400L, S580L, S621L, S911L.
Identifiers: ClinVar variation 2662566 (VCV002662566.2), dbSNP rs748284095, ClinGen allele CA8700559.
Genomic context (GRCh38, chr17:63,496,878, plus strand): 5'-TCAGTAGGCCGTGGCCGGAAGCCATGCAGCTGATCACGGGCCAGCCCAACATGAGCGCCT[C>T]GGCCATGTTGAGCTACTTCAAGCCGCTGCTGGACTGGCTCCGCACGGAGAACGAGCTGCA-3'
Protein context (NP_000780.1, residues 1185-1205): LITGQPNMSA[Ser1195Leu]AMLSYFKPLL

ClinVar aggregate classification (germline): Uncertain significance. Review status: criteria provided, multiple submitters, no conflicts (2 of 4 stars). 2 submissions from 2 submitters: Uncertain significance (2). Last evaluated 2023-11-13.

Conditions:
Inborn genetic diseases. Identifiers: MedGen C0950123, MeSH D030342.

Allele frequency attached by ClinVar (database versions not stated): gnomAD 0.00001; gnomAD exomes 0.00002; TOPMed 0.00002; ExAC 0.00003.
gnomAD v4.1: 26 of 1,613,546 alleles (0.0016%); highest among the groups gnomAD compares: Admixed American, 0.0083%; no homozygotes.

Submissions (2):

Ambry Genetics
Classification: Uncertain significance for Inborn genetic diseases. Last evaluated: 2023-11-13. Review status: criteria provided, single submitter. Criteria: Ambry Variant Classification Scheme 2023. Collection method: clinical testing. Allele origin: germline.

GeneDx
Classification: Uncertain significance. Last evaluated: 2023-04-13. Review status: criteria provided, single submitter. Criteria: GeneDx Variant Classification Process June 2021. Collection method: clinical testing. Allele origin: germline. Affected: yes.
Comment: In silico analysis supports that this missense variant has a deleterious effect on protein structure/function; Has not been previously published as pathogenic or benign to our knowledge